The following is an entry in ClinVar:

NM_001267550.2(TTN):c.40600C>T (p.Pro13534Ser)

Gene: TTN (titin; minus strand). Cytogenetic location: 2q31.2.
Variant type: single nucleotide variant.
Coding change: c.40600C>T on transcript NM_001267550.2 (MANE Select); coding-DNA position 40600, C replaced by T.
Protein change: p.Pro13534Ser; replaces proline 13534 with serine.
Molecular consequence: missense variant.
Genome position (GRCh38, 1-based): chr2:178,641,274, G>A on the plus strand (C>T on the coding strand, the complement: TTN is on the minus strand). VCF-style: chr2-178641274-G-A. GRCh37 (hg19) VCF-style: chr2-179506001-G-A.
Other names: p.P11893S:CCT>TCT; p.Pro11893Ser; c.35677C>T, p.Pro11893Ser (NM_001256850.1); c.13405C>T, p.Pro4469Ser (NM_003319.4); c.32896C>T, p.Pro10966Ser (NM_133378.4); c.13780C>T, p.Pro4594Ser (NM_133432.3); c.13981C>T, p.Pro4661Ser (NM_133437.4); short protein forms P11893S, P13534S, P10966S, P4594S, P4661S, P4469S.
Identifiers: ClinVar variation 202611 (VCV000202611.14), dbSNP rs770091359, ClinGen allele CA309749.

ClinVar aggregate classification (germline): Uncertain significance. Review status: criteria provided, multiple submitters, no conflicts (2 of 4 stars). 7 submissions from 7 submitters: Uncertain significance (5). 2 of the submissions do not count toward it. Last evaluated 2026-08-11.

Conditions:
TTN-related disorder. Also called: TTN-related condition; TTN-related disease; TTN-related disorders.

Allele frequency attached by ClinVar (database versions not stated): gnomAD 0.00003 and 0.00004; TOPMed 0.00003; ExAC 0.00004; gnomAD exomes 0.00005.
gnomAD v4.1: 110 of 1,509,158 alleles (0.0073%); highest among the groups gnomAD compares: Non-Finnish European, 0.0091%; no homozygotes.

Submissions (7):

PreventionGenetics, part of Exact Sciences
Classification: Uncertain significance for TTN-related condition. Last evaluated: 2026-08-11. Review status: criteria provided, single submitter. Criteria: ACMG Guidelines, 2015. Collection method: clinical testing. Allele origin: germline.
Comment: The TTN c.40600C>T variant is predicted to result in the amino acid substitution p.Pro13534Ser. This variant has been reported in both control and affected individuals with dilated cardiomyopathy (Tables S3 and S4, Mazzarotto et al. 2020. PubMed ID: 31983221). This variant is reported in 0.0097% of alleles in individuals of European (Non-Finnish) descent in gnomAD. At this time, the clinical significance of this variant is uncertain due to the absence of conclusive functional and genetic evidence.

Mayo Clinic Laboratories, Mayo Clinic
Classification: Uncertain significance. Last evaluated: 2025-01-30. Review status: criteria provided, single submitter. Criteria: ACMG Guidelines, 2015. Collection method: clinical testing. Allele origin: germline. Observed: 1 variant allele.
Comment: BP4_moderate

Revvity Omics, Revvity
Classification: Uncertain significance. Last evaluated: 2019-09-13. Review status: criteria provided, single submitter. Criteria: ACMG Guidelines, 2015. Collection method: clinical testing. Allele origin: germline.

Eurofins Ntd Llc (ga)
Classification: Uncertain significance. Last evaluated: 2016-09-29. Review status: criteria provided, single submitter. Criteria: EGL Classification Definitions 2015. Collection method: clinical testing. Allele origin: germline. Observed: 1 variant allele, 1 heterozygote.

GeneDx
Classification: Uncertain significance. Last evaluated: 2014-05-28. Review status: criteria provided, single submitter. Criteria: GeneDx Variant Classification (06012015). Collection method: clinical testing. Allele origin: germline. Affected: yes.
Comment: Missense variants in the TTN gene are considered 'unclassified' if they are not previously reported in the literature and do not have >1% frequency in the population to be considered a polymorphism. Research indicates that truncating mutations in the TTN gene are expected to account for approximately 25% of familial and 18% of sporadic idiopathic DCM; however, truncating variants in the TTN gene have been reported in approximately 3% of reported control alleles. There has been little investigation into non-truncating variants. (Herman D et al. Truncations of titin causing dilated cardiomyopathy. N Eng J Med 366:619-628, 2012) The variant is found in DCM-CRDM panel(s).

Clinical Genetics DNA and cytogenetics Diagnostics Lab, Erasmus MC, Erasmus Medical Center
Classification: Uncertain significance. Review status: no assertion criteria provided. Collection method: clinical testing. Allele origin: germline. Affected: yes. Study: VKGL Data-share Consensus. Not counted in ClinVar's aggregate classification.

Joint Genome Diagnostic Labs from Nijmegen and Maastricht, Radboudumc and MUMC+
Classification: Uncertain significance. Review status: no assertion criteria provided. Collection method: clinical testing. Allele origin: germline. Affected: yes. Study: VKGL Data-share Consensus. Not counted in ClinVar's aggregate classification.

Literature cited by the submitters: PubMed 31983221 (cited by Mayo Clinic Laboratories, Mayo Clinic).